The following is an entry in ClinVar:

ClinVar aggregate classification (germline): Uncertain significance. Review status: criteria provided, multiple submitters, no conflicts (2 of 4 stars). 2 submissions from 2 submitters: Uncertain significance (2). Last evaluated 2025-12-29.

Conditions:
Fanconi anemia (FA). Also called: Fanconi's anemia. Identifiers: Orphanet 84, MedGen C0015625, MeSH D005199, MONDO:0019391.
Fanconi anemia complementation group B (FANCB). Also called: FANCB-Related Fanconi Anemia; FANCONI PANCYTOPENIA, TYPE 2. Identifiers: Orphanet 84, MedGen C1845292, MONDO:0010351, OMIM 300514.

Allele frequency attached by ClinVar (database versions not stated): TOPMed below 0.00001; ExAC 0.00001; gnomAD exomes 0.00002.
gnomAD v4.1: 24 of 1,203,791 alleles (0.002%); highest among the groups gnomAD compares: Non-Finnish European, 0.0026%; no homozygotes.

Submissions (2):

Labcorp Genetics (formerly Invitae), Labcorp
Classification: Uncertain significance for Fanconi anemia. Last evaluated: 2025-12-29. Review status: criteria provided, single submitter. Criteria: Invitae Variant Classification Sherloc (09022015). Collection method: clinical testing. Allele origin: germline.
Comment: This sequence change replaces histidine, which is basic and polar, with arginine, which is basic and polar, at codon 732 of the FANCB protein (p.His732Arg). This variant is present in population databases (rs768405501, gnomAD 0.003%), including at least one homozygous and/or hemizygous individual. This missense change has been observed in individual(s) with clinical features of Fanconi anemia (internal data). ClinVar contains an entry for this variant (Variation ID: 2167266). Invitae Evidence Modeling of protein sequence and biophysical properties (such as structural, functional, and spatial information, amino acid conservation, physicochemical variation, residue mobility, and thermodynamic stability) indicates that this missense variant is not expected to disrupt FANCB protein function with a negative predictive value of 80%. In summary, the available evidence is currently insufficient to determine the role of this variant in disease. Therefore, it has been classified as a Variant of Uncertain Significance.

Fulgent Genetics
Classification: Uncertain significance for Fanconi anemia complementation group B. Last evaluated: 2024-03-26. Review status: criteria provided, single submitter. Criteria: ACMG Guidelines, 2015. Collection method: clinical testing. Allele origin: germline.

NM_001018113.3(FANCB):c.2195A>G (p.His732Arg)

Gene: FANCB (FA complementation group B; minus strand). Cytogenetic location: Xp22.2.
Variant type: single nucleotide variant.
Coding change: c.2195A>G on transcript NM_001018113.3 (MANE Select); coding-DNA position 2195, A replaced by G.
Protein change: p.His732Arg; replaces histidine 732 with arginine.
Molecular consequence: missense variant.
Genome position (GRCh38, 1-based): chrX:14,843,952, T>C on the plus strand (A>G on the coding strand, the complement: FANCB is on the minus strand). VCF-style: chrX-14843952-T-C. GRCh37 (hg19) VCF-style: chrX-14862074-T-C.
Other names: c.2195A>G, p.His732Arg (NM_001324162.2, NM_001410764.1, NM_152633.4); short protein forms H732R.
Identifiers: ClinVar variation 2167266 (VCV002167266.4), dbSNP rs768405501, ClinGen allele CA10352941.